The following is an entry in ClinVar:

ClinVar aggregate classification (germline): Uncertain significance (1 of 4 stars; one submission).

Conditions:
Nemaline myopathy 7 (NEM7). Also called: Nemaline myopathy 7, autosomal recessive. Identifiers: Orphanet 171436, MedGen C1853154, MONDO:0012538, OMIM 610687.

Allele frequency attached by ClinVar (database versions not stated): gnomAD exomes below 0.00001.
gnomAD v4.1: 1 of 1,604,588 alleles (0.000062%); highest among the groups gnomAD compares: Non-Finnish European, 0.000085%; no homozygotes.

Submission:

Labcorp Genetics (formerly Invitae), Labcorp
Classification: Uncertain significance for Nemaline myopathy 7. Last evaluated: 2022-02-08. Review status: criteria provided, single submitter. Criteria: Invitae Variant Classification Sherloc (09022015). Collection method: clinical testing. Allele origin: germline.
Comment: In summary, the available evidence is currently insufficient to determine the role of this variant in disease. Therefore, it has been classified as a Variant of Uncertain Significance. Algorithms developed to predict the effect of missense changes on protein structure and function output the following: SIFT: "Deleterious"; PolyPhen-2: "Benign"; Align-GVGD: "Class C45". The serine amino acid residue is found in multiple mammalian species, which suggests that this missense change does not adversely affect protein function. This variant has not been reported in the literature in individuals affected with CFL2-related conditions. This variant is not present in population databases (gnomAD no frequency). This sequence change replaces asparagine, which is neutral and polar, with serine, which is neutral and polar, at codon 156 of the CFL2 protein (p.Asn156Ser).

NM_138638.5(CFL2):c.467A>G (p.Asn156Ser)

Gene: CFL2 (cofilin 2; minus strand). Cytogenetic location: 14q13.1.
Variant type: single nucleotide variant.
Coding change: c.467A>G on transcript NM_138638.5 (MANE Select); coding-DNA position 467, A replaced by G.
Protein change: p.Asn156Ser; replaces asparagine 156 with serine.
Molecular consequence: missense variant. On other transcripts: non-coding transcript variant (2).
Genome position (GRCh38, 1-based): chr14:34,712,899, T>C on the plus strand (A>G on the coding strand, the complement: CFL2 is on the minus strand). VCF-style: chr14-34712899-T-C. GRCh37 (hg19) VCF-style: chr14-35182105-T-C.
Other names: c.416A>G, p.Asn139Ser (NM_001243645.2); c.467A>G, p.Asn156Ser (NM_021914.8); short protein forms N139S, N156S.
Identifiers: ClinVar variation 1374330 (VCV001374330.6), dbSNP rs2138473058, ClinGen allele CA389420874.